The following is an entry in ClinVar:

NM_000179.3(MSH6):c.1426_1427insGGGCCGTTATTCAGATTCCCTGGTGCAGA (p.Lys476fs)

Gene: MSH6 (mutS homolog 6; plus strand). Cytogenetic location: 2p16.3.
Variant type: Insertion.
Coding change: c.1426_1427insGGGCCGTTATTCAGATTCCCTGGTGCAGA on transcript NM_000179.3 (MANE Select); coding-DNA positions 1426 to 1427, GGGCCGTTATTCAGATTCCCTGGTGCAGA inserted.
Protein change: p.Lys476fs; shifts the reading frame from lysine 476.
Molecular consequence: frameshift variant. On other transcripts: non-coding transcript variant (4), intron variant (1).
Genome position: GRCh38 VCF-style: chr2-47799381-T-TGGCCGTTATTCAGATTCCCTGGTGCAGAG. GRCh37 (hg19) VCF-style: chr2-48026520-T-TGGCCGTTATTCAGATTCCCTGGTGCAGAG.
Other names: c.1036_1037insGGGCCGTTATTCAGATTCCCTGGTGCAGA, p.Lys346fs (NM_001281492.2); c.520_521insGGGCCGTTATTCAGATTCCCTGGTGCAGA, p.Lys174fs (NM_001281493.2, NM_001281494.2, NM_001406811.1 and 6 more transcripts); c.1522_1523insGGGCCGTTATTCAGATTCCCTGGTGCAGA, p.Lys508fs (NM_001406795.1, NM_001406802.1); c.1426_1427insGGGCCGTTATTCAGATTCCCTGGTGCAGA, p.Lys476fs (NM_001406796.1, NM_001406798.1, NM_001406800.1 and 4 more transcripts); c.1129_1130insGGGCCGTTATTCAGATTCCCTGGTGCAGA, p.Lys377fs (NM_001406797.1, NM_001406801.1, NM_001406805.1 and 10 more transcripts); c.901_902insGGGCCGTTATTCAGATTCCCTGGTGCAGA, p.Lys301fs (NM_001406799.1, NM_001406806.1, NM_001406807.1); c.1348_1349insGGGCCGTTATTCAGATTCCCTGGTGCAGA, p.Lys450fs (NM_001406804.1); c.1432_1433insGGGCCGTTATTCAGATTCCCTGGTGCAGA, p.Lys478fs (NM_001406813.1); and 2 more; short protein forms K174fs, K301fs, K346fs, K377fs, K420fs, K450fs, K476fs, K478fs.
Identifiers: ClinVar variation 2673702 (VCV002673702.1), dbSNP rs2530607359, ClinGen allele CA2695200574.
Genomic context (GRCh38, chr2:47,799,381, plus strand): 5'-ACTGGGGCTGGTATTCATGAAAGGCAACTGGGCCCATTCTGGCTTTCCTGAAATTGCATT[T>TGGCCGTTATTCAGATTCCCTGGTGCAGAG]GGCCGTTATTCAGATTCCCTGGTGCAGAAGGGCTATAAAGTAGCACGAGTGGAACAGACT-3'

ClinVar aggregate classification (germline): Pathogenic (1 of 4 stars; one submission).

Conditions:
Lynch syndrome 5 (LYNCH5). Also called: Colorectal cancer, hereditary nonpolyposis, type 5; Hereditary non-polyposis colorectal cancer, type 5. Identifiers: Orphanet 144, MedGen C1833477, MONDO:0013710, OMIM 614350. Disease mechanism: loss of function.

Submission:

Myriad Genetics, Inc.
Classification: Pathogenic for Lynch syndrome 5. Last evaluated: 2023-08-14. Review status: criteria provided, single submitter. Criteria: Myriad Autosomal Dominant, Autosomal Recessive and X-Linked Classification Criteria (2023). Collection method: clinical testing. Allele origin: unknown.
Comment: This variant is considered pathogenic. This variant creates a frameshift predicted to result in premature protein truncation.